The following is an entry in ClinVar:

NM_001105206.3(LAMA4):c.463T>C (p.Cys155Arg)

Gene: LAMA4 (laminin subunit alpha 4; minus strand). Cytogenetic location: 6q21.
Variant type: single nucleotide variant.
Coding change: c.463T>C on transcript NM_001105206.3 (MANE Select); coding-DNA position 463, T replaced by C.
Protein change: p.Cys155Arg; replaces cysteine 155 with arginine.
Molecular consequence: missense variant.
Genome position (GRCh38, 1-based): chr6:112,201,648, A>G on the plus strand (T>C on the coding strand, the complement: LAMA4 is on the minus strand). VCF-style: chr6-112201648-A-G. GRCh37 (hg19) VCF-style: chr6-112522849-A-G.
Other names: c.463T>C, p.Cys155Arg (NM_001105207.3, NM_002290.5); short protein forms C155R.
Identifiers: ClinVar variation 4859097 (VCV004859097.1).

ClinVar aggregate classification (germline): Uncertain significance (1 of 4 stars; one submission).

Conditions:
Cardiovascular phenotype. Identifiers: MedGen CN230736.

gnomAD v4.1: 4 of 1,613,958 alleles (0.00025%); highest among the groups gnomAD compares: Non-Finnish European, 0.00034%; no homozygotes.

Submission:

Ambry Genetics
Classification: Uncertain significance for Cardiovascular phenotype. Last evaluated: 2026-05-14. Review status: criteria provided, single submitter. Criteria: Ambry Variant Classification Scheme 2023. Collection method: clinical testing. Allele origin: germline.
Comment: The p.C155R variant (also known as c.463T>C), located in coding exon 4 of the LAMA4 gene, results from a T to C substitution at nucleotide position 463. The cysteine at codon 155 is replaced by arginine, an amino acid with highly dissimilar properties. This amino acid position is conserved. In addition, this alteration is predicted to be deleterious by in silico analysis. Based on the available evidence, the clinical significance of this variant remains unclear.